The following is an entry in ClinVar:

NM_014140.4(SMARCAL1):c.1810dup (p.Gln604fs)

Gene: SMARCAL1 (SNF2 related chromatin remodeling annealing helicase 1; plus strand). Cytogenetic location: 2q35.
Variant type: Duplication.
Coding change: c.1810dup on transcript NM_014140.4 (MANE Select); coding-DNA position 1810, one base duplicated (C; older notation c.1810dupC).
Protein change: p.Gln604fs; shifts the reading frame from glutamine 604.
Molecular consequence: frameshift variant.
Genome position (GRCh38, 1-based): chr2:216,447,117, C duplicated; the last of 5 consecutive C bases (chr2:216,447,113-216,447,117); duplicating any one gives the same sequence. VCF-style (leftmost placement, unchanged base first): chr2-216447112-T-TC. GRCh37 (hg19) VCF-style: chr2-217311835-T-TC.
Other names: c.1810dup, p.Gln604fs (NM_001127207.2); short protein forms Q604fs.
Identifiers: ClinVar variation 1452431 (VCV001452431.6), dbSNP rs1559130635, ClinGen allele CA2573135199.

ClinVar aggregate classification (germline): Pathogenic (1 of 4 stars; one submission).

Conditions:
Schimke immuno-osseous dysplasia (SIOD). Also called: Schimke Immunoosseous Dysplasia. Identifiers: Orphanet 1830, MedGen C0877024, MONDO:0009458, OMIM 242900.

Submission:

Labcorp Genetics (formerly Invitae), Labcorp
Classification: Pathogenic for Schimke immuno-osseous dysplasia. Last evaluated: 2021-03-26. Review status: criteria provided, single submitter. Criteria: Invitae Variant Classification Sherloc (09022015). Collection method: clinical testing. Allele origin: germline.
Comment: This sequence change creates a premature translational stop signal (p.Gln604Profs*11) in the SMARCAL1 gene. It is expected to result in an absent or disrupted protein product. Loss-of-function variants in SMARCAL1 are known to be pathogenic (PMID: 11799392, 20301550). For these reasons, this variant has been classified as Pathogenic. This variant has not been reported in the literature in individuals with SMARCAL1-related conditions. This variant is not present in population databases (ExAC no frequency).

Literature cited by the submitters: PubMed 11799392; PubMed 20301550.